The following is an entry in ClinVar:

ClinVar aggregate classification (germline): Uncertain significance. Review status: criteria provided, multiple submitters, no conflicts (2 of 4 stars). 3 submissions from 3 submitters: Uncertain significance (3). Last evaluated 2023-08-29.

Conditions:
Hereditary cancer-predisposing syndrome. Also called: Tumor predisposition; Neoplastic Syndromes, Hereditary; Hereditary Cancer Syndrome; Hereditary neoplastic syndrome. Identifiers: Orphanet 140162, MedGen C0027672, MeSH D009386, MONDO:0015356.
Hereditary diffuse gastric adenocarcinoma (HDGC). Also called: DIFFUSE GASTRIC AND LOBULAR BREAST CANCER SYNDROME. Identifiers: Orphanet 26106, MedGen C1708349, MONDO:0007648, OMIM 137215.
Familial cancer of breast. Also called: Hereditary breast cancer; hereditary breast carcinoma; BREAST CANCER, FAMILIAL. Identifiers: Orphanet 227535, MedGen C0346153, MONDO:0016419, OMIM 114480. Disease mechanism: loss of function.

Submissions (3):

Ambry Genetics
Classification: Uncertain significance for Hereditary cancer-predisposing syndrome. Last evaluated: 2023-08-29. Review status: criteria provided, single submitter. Criteria: Ambry Variant Classification Scheme 2023. Collection method: clinical testing. Allele origin: germline.
Comment: The p.E762K variant (also known as c.2284G>A), located in coding exon 14 of the CDH1 gene, results from a G to A substitution at nucleotide position 2284. The glutamic acid at codon 762 is replaced by lysine, an amino acid with similar properties. This amino acid position is conserved. In addition, this alteration is predicted to be deleterious by in silico analysis. Since supporting evidence is limited at this time, the clinical significance of this alteration remains unclear.

Baylor Genetics
Classification: Uncertain significance for Familial cancer of breast. Last evaluated: 2023-08-18. Review status: criteria provided, single submitter. Criteria: ACMG Guidelines, 2015. Collection method: clinical testing. Allele origin: unknown.

Labcorp Genetics (formerly Invitae), Labcorp
Classification: Uncertain significance for Hereditary diffuse gastric adenocarcinoma. Last evaluated: 2023-06-19. Review status: criteria provided, single submitter. Criteria: Invitae Variant Classification Sherloc (09022015). Collection method: clinical testing. Allele origin: germline.
Comment: An algorithm developed to predict the effect of missense changes on protein structure and function (PolyPhen-2) suggests that this variant is likely to be disruptive. This sequence change replaces glutamic acid, which is acidic and polar, with lysine, which is basic and polar, at codon 762 of the CDH1 protein (p.Glu762Lys). This variant is not present in population databases (gnomAD no frequency). This variant has not been reported in the literature in individuals affected with CDH1-related conditions. In summary, the available evidence is currently insufficient to determine the role of this variant in disease. Therefore, it has been classified as a Variant of Uncertain Significance.

NM_004360.5(CDH1):c.2284G>A (p.Glu762Lys)

Gene: CDH1 (cadherin 1; plus strand). Cytogenetic location: 16q22.1.
Variant type: single nucleotide variant.
Coding change: c.2284G>A on transcript NM_004360.5 (MANE Select); coding-DNA position 2284, G replaced by A.
Protein change: p.Glu762Lys; replaces glutamic acid 762 with lysine.
Molecular consequence: missense variant.
Genome position (GRCh38, 1-based): chr16:68,828,293, G>A. VCF-style: chr16-68828293-G-A. GRCh37 (hg19) VCF-style: chr16-68862196-G-A.
Other names: c.2101G>A, p.Glu701Lys (NM_001317184.2); c.736G>A, p.Glu246Lys (NM_001317185.2); c.319G>A, p.Glu107Lys (NM_001317186.2); short protein forms E246K, E762K, E107K, E701K.
Identifiers: ClinVar variation 2611662 (VCV002611662.6), dbSNP rs2152141578, ClinGen allele CA396470082.